The following is an entry in ClinVar:

ClinVar aggregate classification (germline): Likely benign (1 of 4 stars; one submission).

gnomAD v4.1: 8 of 1,613,920 alleles (0.0005%); highest among the groups gnomAD compares: East Asian, 0.0022%; no homozygotes.

Submission:

CeGaT Center for Human Genetics Tuebingen
Classification: Likely benign. Last evaluated: 2026-05-01. Review status: criteria provided, single submitter. Criteria: CeGaT Center For Human Genetics Tuebingen Variant Classification Criteria Version 2. Collection method: clinical testing. Allele origin: germline. Affected: yes. Observed: 1 variant allele.
Comment: RORA: BP4

NM_134261.3(RORA):c.1134C>G (p.Thr378=)

Genes: RORA (RAR related orphan receptor A; minus strand), RORA-AS1 (RORA antisense RNA 1; plus strand). Cytogenetic location: 15q22.2.
Variant type: single nucleotide variant.
Coding change: c.1134C>G on transcript NM_134261.3 (MANE Select); coding-DNA position 1134, C replaced by G.
Protein change: p.Thr378=; no amino-acid change (threonine 378 retained).
Molecular consequence: synonymous variant.
Genome position (GRCh38, 1-based): chr15:60,502,809, G>C on the plus strand (C>G on the coding strand, the complement: RORA is on the minus strand). VCF-style: chr15-60502809-G-C. GRCh37 (hg19) VCF-style: chr15-60795008-G-C.
Other names: c.1209C>G, p.Thr403= (NM_002943.4); c.1233C>G, p.Thr411= (NM_134260.3); c.969C>G, p.Thr323= (NM_134262.3).
Identifiers: ClinVar variation 4874926 (VCV004874926.2).